The following is an entry in ClinVar:

ClinVar aggregate classification (germline): Uncertain significance (1 of 4 stars; one submission).

Conditions:
Amyotrophic lateral sclerosis type 16. Also called: AMYOTROPHIC LATERAL SCLEROSIS 16, JUVENILE. Identifiers: Orphanet 300605, MedGen C3280587, MONDO:0013715, OMIM 614373.

Submission:

Kariminejad - Najmabadi Pathology & Genetics Center
Classification: Uncertain significance for Amyotrophic lateral sclerosis type 16. Last evaluated: 2023-05-30. Review status: criteria provided, single submitter. Criteria: ACMG Guidelines, 2015. Collection method: clinical testing. Allele origin: germline. Inheritance: Autosomal recessive inheritance. Affected: yes.
Comment: PM2,PP3

NM_005866.4(SIGMAR1):c.521G>T (p.Gly174Val)

Gene: SIGMAR1 (sigma receptor chaperone 1; minus strand). Cytogenetic location: 9p13.3.
Variant type: single nucleotide variant.
Coding change: c.521G>T on transcript NM_005866.4 (MANE Select); coding-DNA position 521, G replaced by T.
Protein change: p.Gly174Val; replaces glycine 174 with valine.
Molecular consequence: missense variant. On other transcripts: 3 prime UTR variant (2), non-coding transcript variant (1), intron variant (1).
Genome position (GRCh38, 1-based): chr9:34,635,783, C>A on the plus strand (G>T on the coding strand, the complement: SIGMAR1 is on the minus strand). VCF-style: chr9-34635783-C-A. GRCh37 (hg19) VCF-style: chr9-34635780-C-A.
Other names: c.221G>T, p.Gly74Val (NM_001282206.2); c.461G>T, p.Gly154Val (NM_001282207.2); c.*64G>T (NM_001282208.2); c.*48G>T (NM_001282209.2); c.428G>T, p.Gly143Val (NM_147157.3); c.446-143G>T (NM_001282205.2); short protein forms G143V, G154V, G174V, G74V.
Identifiers: ClinVar variation 3897005 (VCV003897005.1).